The following is an entry in ClinVar:

NM_032043.3(BRIP1):c.186A>G (p.Ala62=)

Gene: BRIP1 (BRCA1 interacting DNA helicase 1; minus strand). Cytogenetic location: 17q23.2.
Variant type: single nucleotide variant.
Coding change: c.186A>G on transcript NM_032043.3 (MANE Select); coding-DNA position 186, A replaced by G.
Protein change: p.Ala62=; no amino-acid change (alanine 62 retained).
Molecular consequence: synonymous variant.
Genome position (GRCh38, 1-based): chr17:61,859,815, T>C on the plus strand (A>G on the coding strand, the complement: BRIP1 is on the minus strand). VCF-style: chr17-61859815-T-C. GRCh37 (hg19) VCF-style: chr17-59937176-T-C.
Identifiers: ClinVar variation 232726 (VCV000232726.19), dbSNP rs764252214, ClinGen allele CA10580892.

ClinVar aggregate classification (germline): Benign/Likely benign. Review status: criteria provided, multiple submitters, no conflicts (2 of 4 stars). 5 submissions from 5 submitters: Benign (1); Likely benign (4). Last evaluated 2025-12-21.

Conditions:
Hereditary cancer-predisposing syndrome. Also called: Hereditary Cancer Syndrome; Neoplastic Syndromes, Hereditary; Tumor predisposition; Hereditary neoplastic syndrome. Identifiers: Orphanet 140162, MedGen C0027672, MeSH D009386, MONDO:0015356.
Fanconi anemia complementation group J. Also called: BRIP1-Related Fanconi Anemia. Identifiers: Orphanet 84, MedGen C1836860, MONDO:0012187, OMIM 609054.
Familial cancer of breast. Also called: Hereditary breast cancer; hereditary breast carcinoma; BREAST CANCER, FAMILIAL. Identifiers: Orphanet 227535, MedGen C0346153, MONDO:0016419, OMIM 114480. Disease mechanism: loss of function.

Allele frequency attached by ClinVar (database versions not stated): TOPMed below 0.00001.
gnomAD v4.1: 2 of 1,613,222 alleles (0.00012%); highest among the groups gnomAD compares: Non-Finnish European, 0.00017%; no homozygotes.

Submissions (5):

Labcorp Genetics (formerly Invitae), Labcorp
Classification: Likely benign for Familial cancer of breast; Fanconi anemia complementation group J. Last evaluated: 2025-12-21. Review status: criteria provided, single submitter. Criteria: Invitae Variant Classification Sherloc (09022015). Collection method: clinical testing. Allele origin: germline.

Myriad Genetics, Inc.
Classification: Benign for Familial cancer of breast. Last evaluated: 2024-08-09. Review status: criteria provided, single submitter. Criteria: Myriad Autosomal Dominant, Autosomal Recessive and X-Linked Classification Criteria (2023). Collection method: clinical testing. Allele origin: unknown.
Comment: This variant is considered benign. This variant is a silent/synonymous amino acid change and it is not expected to impact splicing.

GeneDx
Classification: Likely benign. Last evaluated: 2018-04-30. Review status: criteria provided, single submitter. Criteria: GeneDx Variant Classification (06012015). Collection method: clinical testing. Allele origin: germline. Affected: yes.
Comment: This variant is considered likely benign or benign based on one or more of the following criteria: it is a conservative change, it occurs at a poorly conserved position in the protein, it is predicted to be benign by multiple in silico algorithms, and/or has population frequency not consistent with disease.

Color Diagnostics, LLC DBA Color Health
Classification: Likely benign for Hereditary cancer-predisposing syndrome. Last evaluated: 2018-01-19. Review status: criteria provided, single submitter. Criteria: ACMG Guidelines, 2015. Collection method: clinical testing. Allele origin: germline.

Ambry Genetics
Classification: Likely benign for Hereditary cancer-predisposing syndrome. Last evaluated: 2015-07-01. Review status: criteria provided, single submitter. Criteria: Ambry Variant Classification Scheme 2023. Collection method: clinical testing. Allele origin: germline.